The following is an entry in ClinVar:

ClinVar aggregate classification (germline): Uncertain significance. Review status: criteria provided, multiple submitters, no conflicts (2 of 4 stars). 3 submissions from 3 submitters: Uncertain significance (3). Last evaluated 2025-03-17.

Conditions:
Cardiomyopathy (CMYO). Also called: Cardiomyopathies. Identifiers: Orphanet 167848, MedGen C0878544, MONDO:0004994, HP:0001638. Inheritance: Various modes of inheritance.
Lethal congenital glycogen storage disease of heart. Also called: GLYCOGEN STORAGE DISEASE OF HEART; PHOSPHORYLASE KINASE DEFICIENCY OF HEART. Identifiers: Orphanet 439854, MedGen C1849813, MONDO:0009867, OMIM 261740.

gnomAD v4.1: 1 of 1,614,114 alleles (0.000062%); highest among the groups gnomAD compares: Non-Finnish European, 0.000085%; no homozygotes.

Submissions (3):

Color Diagnostics, LLC DBA Color Health
Classification: Uncertain significance for Cardiomyopathy. Last evaluated: 2025-03-17. Review status: criteria provided, single submitter. Criteria: ACMG Guidelines, 2015. Collection method: clinical testing. Allele origin: germline.
Comment: This variant changes the translational stop signal of the PRKAG2 gene to glycine. Translation read-through is expected to extend the length of the PRKAG2 protein by 3 additional amino acids. To our knowledge, functional studies have not been reported for this variant. This variant has not been reported in individuals affected with PRKAG2-related disorders in the literature. This variant has not been identified in the general population by the Genome Aggregation Database (gnomAD). The available evidence is insufficient to determine the role of this variant in disease conclusively. Therefore, this variant is classified as a Variant of Uncertain Significance.

CeGaT Center for Human Genetics Tuebingen
Classification: Uncertain significance. Last evaluated: 2025-03-01. Review status: criteria provided, single submitter. Criteria: CeGaT Center For Human Genetics Tuebingen Variant Classification Criteria Version 2. Collection method: clinical testing. Allele origin: germline. Affected: yes. Observed: 1 variant allele.
Comment: PRKAG2: PM2, PM4

Labcorp Genetics (formerly Invitae), Labcorp
Classification: Uncertain significance for Lethal congenital glycogen storage disease of heart. Last evaluated: 2021-11-27. Review status: criteria provided, single submitter. Criteria: Invitae Variant Classification Sherloc (09022015). Collection method: clinical testing. Allele origin: germline.
Comment: In summary, the available evidence is currently insufficient to determine the role of this variant in disease. Therefore, it has been classified as a Variant of Uncertain Significance. This variant has not been reported in the literature in individuals affected with PRKAG2-related conditions. This variant is not present in population databases (gnomAD no frequency). This sequence change disrupts the translational stop signal of the PRKAG2 mRNA. It is expected to extend the length of the PRKAG2 protein by 3 additional amino acid residues.

NM_016203.4(PRKAG2):c.1708T>G (p.Ter570Gly)

Gene: PRKAG2 (protein kinase AMP-activated non-catalytic subunit gamma 2; minus strand). Cytogenetic location: 7q36.1.
Variant type: single nucleotide variant.
Coding change: c.1708T>G on transcript NM_016203.4 (MANE Select); coding-DNA position 1708, T replaced by G.
Protein change: p.Ter570Gly.
Molecular consequence: stop lost.
Genome position (GRCh38, 1-based): chr7:151,557,203, A>C on the plus strand (T>G on the coding strand, the complement: PRKAG2 is on the minus strand). VCF-style: chr7-151557203-A-C. GRCh37 (hg19) VCF-style: chr7-151254289-A-C.
Other names: c.1576T>G, p.Ter526Gly (NM_001040633.2); c.1333T>G, p.Ter445Gly (NM_001304527.2); c.985T>G, p.Ter329Gly (NM_001304531.2, NM_024429.2); c.1336T>G, p.Ter446Gly (NM_001363698.2).
Identifiers: ClinVar variation 1427273 (VCV001427273.14), dbSNP rs2150957786, ClinGen allele CA370070150.